The following is an entry in ClinVar:

ClinVar aggregate classification (germline): Uncertain significance (1 of 4 stars; one submission).

gnomAD v4.1: 6 of 1,614,182 alleles (0.00037%); highest among the groups gnomAD compares: Non-Finnish European, 0.00051%; no homozygotes.

Submission:

Labcorp Genetics (formerly Invitae), Labcorp
Classification: Uncertain significance. Last evaluated: 2022-07-06. Review status: criteria provided, single submitter. Criteria: Invitae Variant Classification Sherloc (09022015). Collection method: clinical testing. Allele origin: germline.
Comment: This sequence change replaces threonine, which is neutral and polar, with isoleucine, which is neutral and non-polar, at codon 15 of the TYR protein (p.Thr15Ile). This variant is not present in population databases (gnomAD no frequency). This variant has not been reported in the literature in individuals affected with TYR-related conditions. ClinVar contains an entry for this variant (Variation ID: 1469240). Advanced modeling of protein sequence and biophysical properties (such as structural, functional, and spatial information, amino acid conservation, physicochemical variation, residue mobility, and thermodynamic stability) performed at Invitae indicates that this missense variant is not expected to disrupt TYR protein function. In summary, the available evidence is currently insufficient to determine the role of this variant in disease. Therefore, it has been classified as a Variant of Uncertain Significance.

NM_000372.5(TYR):c.44C>T (p.Thr15Ile)

Gene: TYR (tyrosinase; plus strand). Cytogenetic location: 11q14.3.
Variant type: single nucleotide variant.
Coding change: c.44C>T on transcript NM_000372.5 (MANE Select); coding-DNA position 44, C replaced by T.
Protein change: p.Thr15Ile; replaces threonine 15 with isoleucine.
Molecular consequence: missense variant.
Genome position (GRCh38, 1-based): chr11:89,177,997, C>T. VCF-style: chr11-89177997-C-T. GRCh37 (hg19) VCF-style: chr11-88911165-C-T.
Other names: short protein forms T15I.
Identifiers: ClinVar variation 1469240 (VCV001469240.3), dbSNP rs776657313, ClinGen allele CA382033118.